The following is an entry in ClinVar:

NM_002439.5(MSH3):c.334G>A (p.Asp112Asn)

Gene: MSH3 (mutS homolog 3; plus strand). Cytogenetic location: 5q14.1.
Variant type: single nucleotide variant.
Coding change: c.334G>A on transcript NM_002439.5 (MANE Select); coding-DNA position 334, G replaced by A.
Protein change: p.Asp112Asn; replaces aspartic acid 112 with asparagine.
Molecular consequence: missense variant.
Genome position (GRCh38, 1-based): chr5:80,656,507, G>A. VCF-style: chr5-80656507-G-A. GRCh37 (hg19) VCF-style: chr5-79952326-G-A.
Other names: short protein forms D112N.
Identifiers: ClinVar variation 659546 (VCV000659546.16), dbSNP rs200930907, ClinGen allele CA121288556.

ClinVar aggregate classification (germline): Conflicting classifications of pathogenicity. Review status: criteria provided, conflicting classifications (1 of 4 stars). 5 submissions from 5 submitters: Uncertain significance (4); Likely benign (1). Last evaluated 2026-01-26.

Conditions:
Hereditary cancer-predisposing syndrome. Also called: Hereditary neoplastic syndrome; Neoplastic Syndromes, Hereditary; Hereditary Cancer Syndrome; Tumor predisposition. Identifiers: Orphanet 140162, MedGen C0027672, MeSH D009386, MONDO:0015356.
Endometrial carcinoma. Also called: Endometrial carcinoma, somatic. Identifiers: MedGen C0476089, MONDO:0002447, OMIM 608089, HP:0012114.

Allele frequency attached by ClinVar (database versions not stated): gnomAD exomes below 0.00001 and 0.00001; TOPMed 0.00002.
gnomAD v4.1: 2 of 1,614,202 alleles (0.00012%); highest among the groups gnomAD compares: Admixed American, 0.0033%; no homozygotes.

Submissions (5):

Labcorp Genetics (formerly Invitae), Labcorp
Classification: Uncertain significance. Last evaluated: 2026-01-26. Review status: criteria provided, single submitter. Criteria: Invitae Variant Classification Sherloc (09022015). Collection method: clinical testing. Allele origin: germline.
Comment: This sequence change replaces aspartic acid, which is acidic and polar, with asparagine, which is neutral and polar, at codon 112 of the MSH3 protein (p.Asp112Asn). This variant is present in population databases (rs200930907, gnomAD 0.006%). This variant has not been reported in the literature in individuals affected with MSH3-related conditions. ClinVar contains an entry for this variant (Variation ID: 659546). An algorithm developed to predict the effect of missense changes on protein structure and function outputs the following: PolyPhen-2: "Benign". The asparagine amino acid residue is found in multiple mammalian species, which suggests that this missense change does not adversely affect protein function. In summary, the available evidence is currently insufficient to determine the role of this variant in disease. Therefore, it has been classified as a Variant of Uncertain Significance.

Ambry Genetics
Classification: Likely benign for Hereditary cancer-predisposing syndrome. Last evaluated: 2025-02-19. Review status: criteria provided, single submitter. Criteria: Ambry Variant Classification Scheme 2023. Collection method: clinical testing. Allele origin: germline.

Baylor Genetics
Classification: Uncertain significance for Endometrial carcinoma. Last evaluated: 2024-03-07. Review status: criteria provided, single submitter. Criteria: ACMG Guidelines, 2015. Collection method: clinical testing. Allele origin: unknown.

GeneDx
Classification: Uncertain significance. Last evaluated: 2023-04-07. Review status: criteria provided, single submitter. Criteria: GeneDx Variant Classification Process June 2021. Collection method: clinical testing. Allele origin: germline. Affected: yes.
Comment: Not observed at significant frequency in large population cohorts (gnomAD); In silico analysis supports that this missense variant does not alter protein structure/function; Has not been previously published as pathogenic or benign to our knowledge

Sema4
Classification: Uncertain significance for Hereditary cancer-predisposing syndrome. Last evaluated: 2022-02-13. Review status: criteria provided, single submitter. Criteria: Sema4 Curation Guidelines. Collection method: curation. Allele origin: germline.
Comment: To the best of our knowledge, the MSH3 c.334G>A (p.D112N) variant has not been reported in individuals with MSH3 -related disease. This variant was observed in 2/34592 chromosomes in the Latino population according to the Genome Aggregation Database (PMID: 32461654) and has been reported in ClinVar (Variation ID: 659546). Functional studies have not been performed, and in silico predictions of the variant's effect on protein function are inconclusive. The evidence is insufficient to meet ACMG/AMP criteria for classifying the variant as benign or pathogenic. Thus, the clinical significance of this variant is currently uncertain.